The following is an entry in ClinVar:

ClinVar aggregate classification (germline): Uncertain significance. Review status: criteria provided, multiple submitters, no conflicts (2 of 4 stars). 2 submissions from 2 submitters: Uncertain significance (2). Last evaluated 2022-07-06.

Conditions:
Methylmalonic acidemia with homocystinuria, type cblJ (MAHCJ). Also called: METHYLMALONIC ACIDURIA AND HOMOCYSTINURIA, cblJ TYPE. Identifiers: Orphanet 369955, MedGen C3553915, MONDO:0013925, OMIM 614857.

Allele frequency attached by ClinVar (database versions not stated): gnomAD exomes 0.00001 and 0.00002; ExAC 0.00003; gnomAD 0.00005; TOPMed 0.00007; ESP Exome Variant Server 0.00008.
gnomAD v4.1: 18 of 1,613,918 alleles (0.0011%); highest among the groups gnomAD compares: African/African-American, 0.015%; no homozygotes.

Submissions (2):

Labcorp Genetics (formerly Invitae), Labcorp
Classification: Uncertain significance for Methylmalonic acidemia with homocystinuria, type cblJ. Last evaluated: 2022-07-06. Review status: criteria provided, single submitter. Criteria: Invitae Variant Classification Sherloc (09022015). Collection method: clinical testing. Allele origin: germline.
Comment: In summary, the available evidence is currently insufficient to determine the role of this variant in disease. Therefore, it has been classified as a Variant of Uncertain Significance. Advanced modeling of protein sequence and biophysical properties (such as structural, functional, and spatial information, amino acid conservation, physicochemical variation, residue mobility, and thermodynamic stability) performed at Invitae indicates that this missense variant is not expected to disrupt ABCD4 protein function. ClinVar contains an entry for this variant (Variation ID: 568694). This variant has not been reported in the literature in individuals affected with ABCD4-related conditions. This variant is present in population databases (rs141808601, gnomAD 0.02%). This sequence change replaces leucine, which is neutral and non-polar, with phenylalanine, which is neutral and non-polar, at codon 122 of the ABCD4 protein (p.Leu122Phe).

Fulgent Genetics
Classification: Uncertain significance for Methylmalonic acidemia with homocystinuria, type cblJ. Last evaluated: 2021-07-26. Review status: criteria provided, single submitter. Criteria: ACMG Guidelines, 2015. Collection method: clinical testing. Allele origin: unknown.

NM_005050.4(ABCD4):c.364C>T (p.Leu122Phe)

Gene: ABCD4 (ATP binding cassette subfamily D member 4; minus strand). Cytogenetic location: 14q24.3.
Variant type: single nucleotide variant.
Coding change: c.364C>T on transcript NM_005050.4 (MANE Select); coding-DNA position 364, C replaced by T.
Protein change: p.Leu122Phe; replaces leucine 122 with phenylalanine.
Molecular consequence: missense variant. On other transcripts: 5 prime UTR variant (12), non-coding transcript variant (9), intron variant (5).
Genome position (GRCh38, 1-based): chr14:74,297,991, G>A on the plus strand (C>T on the coding strand, the complement: ABCD4 is on the minus strand). VCF-style: chr14-74297991-G-A. GRCh37 (hg19) VCF-style: chr14-74764694-G-A.
Other names: c.364C>T, p.Leu122Phe (NM_001353591.2, NM_001353592.2, NM_020325.3); c.103C>T, p.Leu35Phe (NM_001353593.2, NM_001353594.2); c.-46C>T (NM_001353595.2, NM_001353596.2, NM_001353597.2); c.-114C>T (NM_001353598.2, NM_001353600.2); c.-326C>T (NM_001353602.2); c.-331C>T (NM_001353603.2, NM_001353605.2, NM_001353606.2 and 3 more transcripts); c.-269-1542C>T (NM_001353604.2); c.-52-1542C>T (NM_001353601.2, NM_020324.3, NM_001353599.2); and 1 more; short protein forms L122F, L35F.
Identifiers: ClinVar variation 568694 (VCV000568694.9), dbSNP rs141808601, ClinGen allele CA7267250.